The following is an entry in ClinVar:

ClinVar aggregate classification (germline): Benign/Likely benign. Review status: criteria provided, multiple submitters, no conflicts (2 of 4 stars). 4 submissions from 4 submitters: Benign (1); Likely benign (3). Last evaluated 2025-05-02.

Conditions:
Tuberous sclerosis 2 (TSC2). Identifiers: Orphanet 805, MedGen C1860707, MONDO:0013199, OMIM 613254.
Hereditary cancer-predisposing syndrome. Also called: Hereditary neoplastic syndrome; Hereditary Cancer Syndrome; Tumor predisposition; Neoplastic Syndromes, Hereditary. Identifiers: Orphanet 140162, MedGen C0027672, MeSH D009386, MONDO:0015356.

gnomAD v4.1: 1 of 1,592,234 alleles (0.000063%); highest among the groups gnomAD compares: Non-Finnish European, 0.000085%; no homozygotes.

Submissions (4):

Myriad Genetics, Inc.
Classification: Benign for Tuberous sclerosis 2. Last evaluated: 2025-05-02. Review status: criteria provided, single submitter. Criteria: Myriad Autosomal Dominant, Autosomal Recessive and X-Linked Classification Criteria (2023). Collection method: clinical testing. Allele origin: unknown.
Comment: This variant is considered benign. This variant is a silent/synonymous amino acid change and it is not expected to impact splicing.

Labcorp Genetics (formerly Invitae), Labcorp
Classification: Likely benign for Tuberous sclerosis 2. Last evaluated: 2024-06-26. Review status: criteria provided, single submitter. Criteria: Invitae Variant Classification Sherloc (09022015). Collection method: clinical testing. Allele origin: germline.

Sema4
Classification: Likely benign for Hereditary cancer-predisposing syndrome. Last evaluated: 2021-03-14. Review status: criteria provided, single submitter. Criteria: Sema4 Curation Guidelines. Collection method: curation. Allele origin: germline.

Ambry Genetics
Classification: Likely benign for Hereditary cancer-predisposing syndrome. Last evaluated: 2020-09-15. Review status: criteria provided, single submitter. Criteria: Ambry Variant Classification Scheme 2023. Collection method: clinical testing. Allele origin: germline.

NM_000548.5(TSC2):c.282G>T (p.Pro94=)

Gene: TSC2 (TSC complex subunit 2; plus strand). Cytogenetic location: 16p13.3.
Variant type: single nucleotide variant.
Coding change: c.282G>T on transcript NM_000548.5 (MANE Select); coding-DNA position 282, G replaced by T.
Protein change: p.Pro94=; no amino-acid change (proline 94 retained).
Molecular consequence: synonymous variant. On other transcripts: intron variant (2).
Genome position (GRCh38, 1-based): chr16:2,053,398, G>T. VCF-style: chr16-2053398-G-T. GRCh37 (hg19) VCF-style: chr16-2103399-G-T.
Other names: c.282G>T, p.Pro94= (NM_001077183.3, NM_001114382.3, NM_001363528.2 and 3 more transcripts); c.135G>T, p.Pro45= (NM_001318829.2); c.315G>T, p.Pro105= (NM_001318832.2); c.226-898G>T (NM_001318827.2); c.-1-2798G>T (NM_001318831.2).
Identifiers: ClinVar variation 1670583 (VCV001670583.12), dbSNP rs145624233, ClinGen allele CA492955223.